The following is an entry in ClinVar:

ClinVar aggregate classification (germline): Pathogenic (1 of 4 stars; one submission).

Conditions:
Hereditary cancer-predisposing syndrome. Also called: Neoplastic Syndromes, Hereditary; Hereditary neoplastic syndrome; Tumor predisposition; Hereditary Cancer Syndrome. Identifiers: Orphanet 140162, MedGen C0027672, MeSH D009386, MONDO:0015356.

Submission:

Ambry Genetics
Classification: Pathogenic for Hereditary cancer-predisposing syndrome. Last evaluated: 2022-12-15. Review status: criteria provided, single submitter. Criteria: Ambry Variant Classification Scheme 2023. Collection method: clinical testing. Allele origin: germline.
Comment: The c.5679_5691del13 pathogenic mutation, located in coding exon 37 of the ATM gene, results from a deletion of 13 nucleotides at nucleotide positions 5679 to 5691, causing a translational frameshift with a predicted alternate stop codon (p.E1894Dfs*19). This alteration was identified amongst a cohort of 1836 Chinese prostate cancer patients (Zhu Y et al. J Natl Compr Canc Netw, 2021 Oct;20:54-62). This variant is considered to be rare based on population cohorts in the Genome Aggregation Database (gnomAD). In addition to the clinical data presented in the literature, this alteration is expected to result in loss of function by premature protein truncation or nonsense-mediated mRNA decay. As such, this alteration is interpreted as a disease-causing mutation.

Literature cited by the submitters: PubMed 34653963.

NM_000051.4(ATM):c.5679_5691del (p.Glu1894fs)

Gene: ATM (ATM serine/threonine kinase; plus strand). Cytogenetic location: 11q22.3.
Variant type: Deletion.
Coding change: c.5679_5691del on transcript NM_000051.4 (MANE Select); coding-DNA positions 5679 to 5691, 13 bases deleted (AGAGCACTTTTTC).
Protein change: p.Glu1894fs; shifts the reading frame from glutamic acid 1894.
Molecular consequence: frameshift variant.
Genome position (GRCh38, 1-based): chr11:108,307,901-108,307,913, AGAGCACTTTTTC deleted; deleting any 13 consecutive bases within chr11:108,307,899-108,307,913 gives the same sequence; the c. name uses the placement nearest the transcript's 3' end. VCF-style (leftmost placement, unchanged base first): chr11-108307898-GTCAGAGCACTTTT-G. GRCh37 (hg19) VCF-style: chr11-108178625-GTCAGAGCACTTTT-G.
Other names: c.5679_5691del, p.Glu1894fs (NM_001351834.2); c.5679_5691del13 (NM_000051.3); short protein forms E1894fs.
Identifiers: ClinVar variation 2453937 (VCV002453937.2), dbSNP rs2547005024, ClinGen allele CA2580083419.